The following is an entry in ClinVar:

ClinVar aggregate classification (germline): Uncertain significance (1 of 4 stars; one submission).

Allele frequency attached by ClinVar (database versions not stated): gnomAD 0.00001.
gnomAD v4.1: 4 of 1,598,066 alleles (0.00025%); highest among the groups gnomAD compares: Non-Finnish European, 0.00034%; no homozygotes.

Submission:

Labcorp Genetics (formerly Invitae), Labcorp
Classification: Uncertain significance. Last evaluated: 2025-06-20. Review status: criteria provided, single submitter. Criteria: Invitae Variant Classification Sherloc (09022015). Collection method: clinical testing. Allele origin: germline.
Comment: This sequence change replaces serine, which is neutral and polar, with threonine, which is neutral and polar, at codon 1425 of the MAST1 protein (p.Ser1425Thr). This variant is not present in population databases (gnomAD no frequency). This variant has not been reported in the literature in individuals affected with MAST1-related conditions. ClinVar contains an entry for this variant (Variation ID: 2189542). An algorithm developed to predict the effect of missense changes on protein structure and function (PolyPhen-2) suggests that this variant is likely to be disruptive. In summary, the available evidence is currently insufficient to determine the role of this variant in disease. Therefore, it has been classified as a Variant of Uncertain Significance.

NM_014975.3(MAST1):c.4274G>C (p.Ser1425Thr)

Gene: MAST1 (microtubule associated serine/threonine kinase 1; plus strand). Cytogenetic location: 19p13.13.
Variant type: single nucleotide variant.
Coding change: c.4274G>C on transcript NM_014975.3 (MANE Select); coding-DNA position 4274, G replaced by C.
Protein change: p.Ser1425Thr; replaces serine 1425 with threonine.
Molecular consequence: missense variant.
Genome position (GRCh38, 1-based): chr19:12,874,431, G>C. VCF-style: chr19-12874431-G-C. GRCh37 (hg19) VCF-style: chr19-12985245-G-C.
Other names: short protein forms S1425T.
Identifiers: ClinVar variation 2189542 (VCV002189542.4), dbSNP rs2145917387, ClinGen allele CA404291202.
Genomic context (GRCh38, chr19:12,874,431, plus strand): 5'-GGGCTGTGGCCAAGGCGGCGCTGAGCCCGGTGCAGGAACACGAGACAGGCCGGCGCAGCA[G>C]CTCTGGCGAGGCGGGCACACCCCTGGTACCCATTGTCGTAGAGCCTGCGCGGCCCGGGGC-3'
Protein context (NP_055790.1, residues 1415-1435): VQEHETGRRS[Ser1425Thr]SGEAGTPLVP